The following is an entry in ClinVar:

NM_001352754.2(ARMC9):c.1314C>G (p.Ala438=)

Gene: ARMC9 (armadillo repeat containing 9; plus strand). Cytogenetic location: 2q37.1.
Variant type: single nucleotide variant.
Coding change: c.1314C>G on transcript NM_001352754.2 (MANE Select); coding-DNA position 1314, C replaced by G.
Protein change: p.Ala438=; no amino-acid change (alanine 438 retained).
Molecular consequence: synonymous variant. On other transcripts: non-coding transcript variant (1).
Genome position (GRCh38, 1-based): chr2:231,273,058, C>G. VCF-style: chr2-231273058-C-G. GRCh37 (hg19) VCF-style: chr2-232137771-C-G.
Other names: c.1314C>G, p.Ala438= (NM_001271466.4, NM_001291656.2, NM_001352755.2 and 3 more transcripts); c.1215C>G, p.Ala405= (NM_001352757.2, NM_001352758.2).
Identifiers: ClinVar variation 773863 (VCV000773863.16), dbSNP rs114966997, ClinGen allele CA2160277.
Genomic context (GRCh38, chr2:231,273,058, plus strand): 5'-GGAGGGAAGGCTGAAGGAGGAGGACAAGGATATCATCACCAGGGAGAATGTTCTTGGGGC[C>G]CTGCAGAAGTTCAGTCTCAGGTAACGACTGTGCAATAGGTCACGGTGTCTCCTGTGAGAT-3'
Protein context (NP_001339683.2, residues 428-448): DIITRENVLG[Ala438=]LQKFSLRRPL

ClinVar aggregate classification (germline): Benign/Likely benign. Review status: criteria provided, multiple submitters, no conflicts (2 of 4 stars). 4 submissions from 4 submitters: Benign (2); Likely benign (2). Last evaluated 2026-01-24.

Allele frequency attached by ClinVar (database versions not stated): gnomAD exomes 0.00037 and 0.00099; ExAC 0.00111; ESP Exome Variant Server 0.00346; gnomAD 0.00351 and 0.00377; TOPMed 0.00399; 1000 Genomes Project 30x 0.00593; 1000 Genomes Project 0.00599.
gnomAD v4.1: 1,096 of 1,613,614 alleles (0.068%); highest among the groups gnomAD compares: African/African-American, 1.3%; 7 homozygotes.

Submissions (4):

Labcorp Genetics (formerly Invitae), Labcorp
Classification: Benign. Last evaluated: 2026-01-24. Review status: criteria provided, single submitter. Criteria: Invitae Variant Classification Sherloc (09022015). Collection method: clinical testing. Allele origin: germline.

CeGaT Center for Human Genetics Tuebingen
Classification: Likely benign. Last evaluated: 2025-12-01. Review status: criteria provided, single submitter. Criteria: CeGaT Center For Human Genetics Tuebingen Variant Classification Criteria Version 2. Collection method: clinical testing. Allele origin: germline. Affected: yes. Observed: 1 variant allele.
Comment: ARMC9: BP4, BP7, BS1

Blueprint Genetics
Classification: Likely benign. Last evaluated: 2024-10-22. Review status: criteria provided, single submitter. Criteria: ACMG Guidelines, 2015. Collection method: clinical testing. Allele origin: germline.

Breakthrough Genomics
Classification: Benign. Review status: criteria provided, single submitter. Criteria: ACMG Guidelines, 2015. Collection method: not provided. Allele origin: germline. Inheritance: Autosomal recessive inheritance. Affected: yes.